The following is an entry in ClinVar:

NM_000562.3(C8A):c.1589A>T (p.Gln530Leu)

Gene: C8A (complement C8 alpha chain; plus strand). Cytogenetic location: 1p32.2.
Variant type: single nucleotide variant.
Coding change: c.1589A>T on transcript NM_000562.3 (MANE Select); coding-DNA position 1589, A replaced by T.
Protein change: p.Gln530Leu; replaces glutamine 530 with leucine.
Molecular consequence: missense variant.
Genome position (GRCh38, 1-based): chr1:56,912,611, A>T. VCF-style: chr1-56912611-A-T. GRCh37 (hg19) VCF-style: chr1-57378284-A-T.
Other names: short protein forms Q530L.
Identifiers: ClinVar variation 626068 (VCV000626068.2), dbSNP rs182161894, ClinGen allele CA875433.
Genomic context (GRCh38, chr1:56,912,611, plus strand): 5'-TCGAGGGCACCAGCTGCAGGTGCCAGTGCCGCCTGGGTAGCTTGGGTGCTGCCTGTGAGC[A>T]AACACAGACAGAAGGTAAGGTCCGTGCATCCCCACCCAGTTCCAGCCTGTCCCAGCTCAA-3'
Protein context (NP_000553.1, residues 520-540): RLGSLGAACE[Gln530Leu]TQTEGAKADG

ClinVar aggregate classification (germline): Uncertain significance (1 of 4 stars; one submission).

Conditions:
Type I complement component 8 deficiency. Also called: COMPLEMENT C8 DEFICIENCY, TYPE I; C8AG DEFICIENCY; C8 ALPHA-GAMMA DEFICIENCY. Identifiers: MedGen C3151081, MONDO:0013422, OMIM 613790.

Allele frequency attached by ClinVar (database versions not stated): gnomAD 0.00001; gnomAD exomes 0.00003 and 0.00006; TOPMed 0.00004; ExAC 0.00006; 1000 Genomes Project 30x 0.00016; 1000 Genomes Project 0.00020.
gnomAD v4.1: 18 of 1,614,102 alleles (0.0011%); highest among the groups gnomAD compares: Admixed American, 0.03%; no homozygotes.

Submission:

Center for Genomics, Ann and Robert H. Lurie Children's Hospital of Chicago
Classification: Uncertain significance for Type I complement component 8 deficiency. Last evaluated: 2021-03-30. Review status: criteria provided, single submitter. Criteria: ACMG Guidelines, 2015. Collection method: clinical testing. Allele origin: germline.
Comment: C8A NM_000562.2 exon 10 p.Gln530Leu (c.1589A>T): This variant has not been reported in the literature and is present in 0.04% (16/34418) of Latino alleles in the Genome Aggregation Database. This variant amino acid Leucine (Leu) is present in two bird species and is not well conserved among evolutionarily distant species; this suggests that this variant may not impact the protein. Additional computational prediction tools do not suggest an impact. In summary, data on this variant is insufficient for disease classification. Therefore, the clinical significance of this variant is uncertain.